The following is an entry in ClinVar:

ClinVar aggregate classification (germline): Uncertain significance. Review status: criteria provided, multiple submitters, no conflicts (2 of 4 stars). 2 submissions from 2 submitters: Uncertain significance (2). Last evaluated 2021-12-08.

Conditions:
Nemaline myopathy 6 (NEM6). Also called: Nemaline myopathy 6, autosomal dominant. Identifiers: Orphanet 171439, MedGen C1836472, MONDO:0012237, OMIM 609273.

Allele frequency attached by ClinVar (database versions not stated): TOPMed below 0.00001; gnomAD exomes 0.00002; ExAC 0.00009.

Submissions (2):

Labcorp Genetics (formerly Invitae), Labcorp
Classification: Uncertain significance for Nemaline myopathy 6. Last evaluated: 2021-12-08. Review status: criteria provided, single submitter. Criteria: Invitae Variant Classification Sherloc (09022015). Collection method: clinical testing. Allele origin: germline.
Comment: This sequence change replaces glutamic acid, which is acidic and polar, with lysine, which is basic and polar, at codon 27 of the KBTBD13 protein (p.Glu27Lys). The frequency data for this variant in the population databases is considered unreliable, as metrics indicate poor data quality at this position in the gnomAD database. This variant has not been reported in the literature in individuals affected with KBTBD13-related conditions. Algorithms developed to predict the effect of missense changes on protein structure and function output the following: SIFT: "Tolerated"; PolyPhen-2: "Benign"; Align-GVGD: "Class C0". The lysine amino acid residue is found in multiple mammalian species, which suggests that this missense change does not adversely affect protein function. In summary, the available evidence is currently insufficient to determine the role of this variant in disease. Therefore, it has been classified as a Variant of Uncertain Significance.

Breakthrough Genomics
Classification: Uncertain significance. Review status: criteria provided, single submitter. Criteria: ACMG Guidelines, 2015. Collection method: not provided. Allele origin: germline. Inheritance: Autosomal dominant inheritance. Affected: yes.

NM_001101362.3(KBTBD13):c.79G>A (p.Glu27Lys)

Gene: KBTBD13 (kelch repeat and BTB domain containing 13; plus strand). Cytogenetic location: 15q22.31.
Variant type: single nucleotide variant.
Coding change: c.79G>A on transcript NM_001101362.3 (MANE Select); coding-DNA position 79, G replaced by A.
Protein change: p.Glu27Lys; replaces glutamic acid 27 with lysine.
Molecular consequence: missense variant.
Genome position (GRCh38, 1-based): chr15:65,076,894, G>A. VCF-style: chr15-65076894-G-A. GRCh37 (hg19) VCF-style: chr15-65369232-G-A.
Other names: short protein forms E27K.
Identifiers: ClinVar variation 1472275 (VCV001472275.7), dbSNP rs760809346, ClinGen allele CA7613856.